The following is an entry in ClinVar:

ClinVar aggregate classification (germline): Uncertain significance (1 of 4 stars; one submission).

gnomAD v4.1: 18 of 1,211,348 alleles (0.0015%); highest among the groups gnomAD compares: Non-Finnish European, 0.0019%; no homozygotes.

Submission:

ARUP Laboratories, Molecular Genetics and Genomics, ARUP Laboratories
Classification: Uncertain significance. Last evaluated: 2024-06-28. Review status: criteria provided, single submitter. Criteria: ARUP Molecular Germline Variant Investigation Process 2024. Collection method: clinical testing. Allele origin: germline.
Comment: The F8 c.862A>G; p.Ile288Val variant (rs1557282367), to our knowledge, is not reported in the medical literature or gene specific databases. This variant is only found on one allele in the Genome Aggregation Database (v2.1.1), indicating it is not a common polymorphism. Computational analyses are uncertain whether this variant is neutral or deleterious (REVEL: 0.358). A different variant at this codon (p.Ile288Thr) is reported in the literature in an individual with severe hemophilia A (Ravanbod 2012). However, due to limited information regarding the p.Ile288Val variant, its clinical significance is uncertain at this time. References: Ravanbod S et al. Identification of 123 previously unreported mutations in the F8 gene of Iranian patients with haemophilia A. Haemophilia. 2012 May;18(3):e340-6. PMID: 22117735.

NM_000132.4(F8):c.862A>G (p.Ile288Val)

Gene: F8 (coagulation factor VIII; minus strand). Cytogenetic location: Xq28.
Variant type: single nucleotide variant.
Coding change: c.862A>G on transcript NM_000132.4 (MANE Select); coding-DNA position 862, A replaced by G.
Protein change: p.Ile288Val; replaces isoleucine 288 with valine.
Molecular consequence: missense variant.
Genome position (GRCh38, 1-based): chrX:154,969,478, T>C on the plus strand (A>G on the coding strand, the complement: F8 is on the minus strand). VCF-style: chrX-154969478-T-C. GRCh37 (hg19) VCF-style: chrX-154197753-T-C.
Other names: short protein forms I288V.
Identifiers: ClinVar variation 3766690 (VCV003766690.1).